The following is an entry in ClinVar:

ClinVar aggregate classification (germline): Likely pathogenic. Review status: criteria provided, single submitter (1 of 4 stars). 4 submissions from 3 submitters: Likely pathogenic (1). 3 of the submissions do not count toward it. Last evaluated 2024-04-03.

Conditions:
RYR1-related disorder. Also called: RYR1-related condition; RYR1-related disorders. Identifiers: MedGen CN239331.
Central core myopathy (CMYO1A). Also called: Central core disease; Myopathy, central fibrillar; CONGENITAL MYOPATHY 1A, AUTOSOMAL DOMINANT, WITH SUSCEPTIBILITY TO MALIGNANT HYPERTHERMIA. Identifiers: Orphanet 597, MedGen C5830701, MONDO:0007294, OMIM 117000.
Congenital myopathy with fiber type disproportion. Also called: Congenital fiber-type disproportion myopathy; Congenital fiber-type disproportion. Identifiers: Orphanet 2020, MedGen C0546264, MONDO:0009711. Inheritance: all.

Allele frequency attached by ClinVar (database versions not stated): gnomAD exomes below 0.00001; ExAC 0.00001.
gnomAD v4.1: 7 of 1,614,118 alleles (0.00043%); highest among the groups gnomAD compares: Non-Finnish European, 0.00059%; no homozygotes.

Submissions (4):

Labcorp Genetics (formerly Invitae), Labcorp
Classification: Likely pathogenic for RYR1-related disorder. Last evaluated: 2024-04-03. Review status: criteria provided, single submitter. Criteria: Invitae Variant Classification Sherloc (09022015). Collection method: clinical testing. Allele origin: germline.
Comment: This sequence change replaces methionine, which is neutral and non-polar, with threonine, which is neutral and polar, at codon 402 of the RYR1 protein (p.Met402Thr). This variant is present in population databases (rs118192117, gnomAD 0.0009%). This missense change has been observed in individual(s) with autosomal recessive congenital myopathy and/or rhabdomyolysis and myalgia (PMID: 17483490, 20583297, 29635721, 34440373). In at least one individual the data is consistent with being in trans (on the opposite chromosome) from a pathogenic variant. ClinVar contains an entry for this variant (Variation ID: 42099). Advanced modeling of protein sequence and biophysical properties (such as structural, functional, and spatial information, amino acid conservation, physicochemical variation, residue mobility, and thermodynamic stability) has been performed at Invitae for this missense variant, however the output from this modeling did not meet the statistical confidence thresholds required to predict the impact of this variant on RYR1 protein function. In summary, the currently available evidence indicates that the variant is pathogenic, but additional data are needed to prove that conclusively. Therefore, this variant has been classified as Likely Pathogenic.

GeneReviews
Classification: Pathogenic for Central Core Disease. Last evaluated: 2010-05-11. Review status: no assertion criteria provided. Collection method: curation. Allele origin: unknown. Not counted in ClinVar's aggregate classification.
ClinVar note: Converted during submission from pathologic to Pathogenic.

GeneReviews
No classification provided. Condition: Congenital myopathy with fiber type disproportion. Review status: no classification provided. Collection method: literature only. Allele origin: unknown. Not counted in ClinVar's aggregate classification.

RYR1 database
No classification provided. Review status: no classification provided. Collection method: not provided. Allele origin: unknown. Not counted in ClinVar's aggregate classification.

Literature cited by the submitters: PubMed 17483490 (cited by Labcorp Genetics (formerly Invitae), Labcorp); PubMed 20583297 (cited by Labcorp Genetics (formerly Invitae), Labcorp and GeneReviews); PubMed 29635721 (cited by Labcorp Genetics (formerly Invitae), Labcorp); PubMed 34440373 (cited by Labcorp Genetics (formerly Invitae), Labcorp); PubMed 20301436 (cited by GeneReviews); NCBI Bookshelf NBK1259 (cited by GeneReviews).

NM_000540.3(RYR1):c.1205T>C (p.Met402Thr)

Gene: RYR1 (ryanodine receptor 1; plus strand). Cytogenetic location: 19q13.2.
Variant type: single nucleotide variant.
Coding change: c.1205T>C on transcript NM_000540.3 (MANE Select); coding-DNA position 1205, T replaced by C.
Protein change: p.Met402Thr; replaces methionine 402 with threonine.
Molecular consequence: missense variant.
Genome position (GRCh38, 1-based): chr19:38,451,846, T>C. VCF-style: chr19-38451846-T-C. GRCh37 (hg19) VCF-style: chr19-38942486-T-C.
Other names: c.1205T>C, p.Met402Thr (NM_001042723.2); short protein forms M402T.
Identifiers: ClinVar variation 42099 (VCV000042099.6), dbSNP rs118192117, ClinGen allele CA023960.